The following is an entry in ClinVar:

ClinVar aggregate classification (germline): Likely pathogenic (1 of 4 stars; one submission).

Conditions:
Periventricular nodular heterotopia 9. Identifiers: MedGen C5394503, MONDO:0030061, OMIM 618918.

Submission:

Molecular Genetics Laboratory, Motol Hospital
Classification: Likely pathogenic for Periventricular nodular heterotopia 9. Last evaluated: 2026-09-25. Review status: criteria provided, single submitter. Criteria: ACMG Guidelines, 2015. Collection method: clinical testing. Allele origin: germline. Inheritance: Sporadic. Affected: yes. Observed: 1 variant allele, 1 heterozygote.
Comment: A rare variant not present in non-Finnish European population (PM2). Rare loss-of-function variants in the MAP1B are associated with autosomal dominant periventricular nodular heterotopia-9 (OMIM # 618918) (PVS1). The variant is classified as likely pathogenic.

Literature cited by the submitters: PubMed 29738522; PubMed 31317654; PubMed 30150678.

NM_005909.5(MAP1B):c.2107_2110del (p.Glu703fs)

Gene: MAP1B (microtubule associated protein 1B; plus strand). Cytogenetic location: 5q13.2.
Variant type: Microsatellite.
Coding change: c.2107_2110del on transcript NM_005909.5 (MANE Select); coding-DNA positions 2107 to 2110, 4 bases deleted (GAAA; older notation c.2107_2110delGAAA).
Protein change: p.Glu703fs; shifts the reading frame from glutamic acid 703.
Molecular consequence: frameshift variant.
Genome position (GRCh38, 1-based): chr5:72,195,462-72,195,465, GAAA deleted; deleting any 4 consecutive bases within chr5:72,195,456-72,195,465 gives the same sequence; the c. name uses the placement nearest the transcript's 3' end. VCF-style (leftmost placement, unchanged base first): chr5-72195455-TAAGA-T. GRCh37 (hg19) VCF-style: chr5-71491282-TAAGA-T.
Other names: c.1729_1732del, p.Glu577fs (NM_001324255.2); short protein forms E577fs, E703fs.
Identifiers: ClinVar variation 5021463 (VCV005021463.1).